The following is an entry in ClinVar:

NM_133497.4(KCNV2):c.886C>T (p.Pro296Ser)

Gene: KCNV2 (potassium voltage-gated channel modifier subfamily V member 2; plus strand). Cytogenetic location: 9p24.2.
Variant type: single nucleotide variant.
Coding change: c.886C>T on transcript NM_133497.4 (MANE Select); coding-DNA position 886, C replaced by T.
Protein change: p.Pro296Ser; replaces proline 296 with serine.
Molecular consequence: missense variant.
Genome position (GRCh38, 1-based): chr9:2,718,625, C>T. VCF-style: chr9-2718625-C-T. GRCh37 (hg19) VCF-style: chr9-2718625-C-T.
Other names: c.886C>T (NM_133497.3); short protein forms P296S.
Identifiers: ClinVar variation 1418059 (VCV001418059.7), dbSNP rs768276080, ClinGen allele CA4965667.

ClinVar aggregate classification (germline): Uncertain significance. Review status: criteria provided, multiple submitters, no conflicts (2 of 4 stars). 2 submissions from 2 submitters: Uncertain significance (2). Last evaluated 2022-11-17.

Conditions:
Inborn genetic diseases. Identifiers: MedGen C0950123, MeSH D030342.

Allele frequency attached by ClinVar (database versions not stated): gnomAD 0.00001; gnomAD exomes 0.00001; TOPMed 0.00001.

Submissions (2):

Ambry Genetics
Classification: Uncertain significance for Inborn genetic diseases. Last evaluated: 2022-11-17. Review status: criteria provided, single submitter. Criteria: Ambry Variant Classification Scheme 2023. Collection method: clinical testing. Allele origin: germline.

Labcorp Genetics (formerly Invitae), Labcorp
Classification: Uncertain significance. Last evaluated: 2021-11-28. Review status: criteria provided, single submitter. Criteria: Invitae Variant Classification Sherloc (09022015). Collection method: clinical testing. Allele origin: germline.
Comment: This variant is present in population databases (rs768276080, gnomAD 0.007%). In summary, the available evidence is currently insufficient to determine the role of this variant in disease. Therefore, it has been classified as a Variant of Uncertain Significance. Advanced modeling of protein sequence and biophysical properties (such as structural, functional, and spatial information, amino acid conservation, physicochemical variation, residue mobility, and thermodynamic stability) performed at Invitae indicates that this missense variant is not expected to disrupt KCNV2 protein function. This variant has not been reported in the literature in individuals affected with KCNV2-related conditions. This sequence change replaces proline, which is neutral and non-polar, with serine, which is neutral and polar, at codon 296 of the KCNV2 protein (p.Pro296Ser).